The following is an entry in ClinVar:

ClinVar aggregate classification (germline): Uncertain significance (1 of 4 stars; one submission).

Submission:

Labcorp Genetics (formerly Invitae), Labcorp
Classification: Uncertain significance. Last evaluated: 2022-07-15. Review status: criteria provided, single submitter. Criteria: Invitae Variant Classification Sherloc (09022015). Collection method: clinical testing. Allele origin: germline.
Comment: This sequence change replaces glycine, which is neutral and non-polar, with serine, which is neutral and polar, at codon 423 of the COL4A2 protein (p.Gly423Ser). This variant is not present in population databases (gnomAD no frequency). This variant has not been reported in the literature in individuals affected with COL4A2-related conditions. Advanced modeling of protein sequence and biophysical properties (such as structural, functional, and spatial information, amino acid conservation, physicochemical variation, residue mobility, and thermodynamic stability) performed at Invitae indicates that this missense variant is expected to disrupt COL4A2 protein function. In summary, the available evidence is currently insufficient to determine the role of this variant in disease. Therefore, it has been classified as a Variant of Uncertain Significance.

NM_001846.4(COL4A2):c.1267G>A (p.Gly423Ser)

Gene: COL4A2 (collagen type IV alpha 2 chain; plus strand). Cytogenetic location: 13q34.
Variant type: single nucleotide variant.
Coding change: c.1267G>A on transcript NM_001846.4 (MANE Select); coding-DNA position 1267, G replaced by A.
Protein change: p.Gly423Ser; replaces glycine 423 with serine.
Molecular consequence: missense variant.
Genome position (GRCh38, 1-based): chr13:110,450,382, G>A. VCF-style: chr13-110450382-G-A. GRCh37 (hg19) VCF-style: chr13-111102729-G-A.
Other names: short protein forms G423S.
Identifiers: ClinVar variation 1715668 (VCV001715668.5), dbSNP rs1594221491, ClinGen allele CA388734575.
Genomic context (GRCh38, chr13:110,450,382, plus strand): 5'-CCGGGTGAGATGGGACCCAAGGGCTTCATCGGAGACCCCGGCATCCCTGCGCTCTACGGG[G>A]GCCCACCTGGACCTGATGGAAAGCGAGGGCCTCCAGGACCCCCCGGGCTCCCTGGACCAC-3'
Protein context (NP_001837.2, residues 413-433): GDPGIPALYG[Gly423Ser]PPGPDGKRGP